The following is an entry in ClinVar:

NM_000053.3(ATP7B):c.-135A>G

Gene: ATP7B (ATPase copper transporting beta; minus strand). Cytogenetic location: 13q14.3.
Variant type: single nucleotide variant.
Coding change: c.-135A>G on transcript NM_000053.3; 135 bases upstream of the start codon, A replaced by G.
Molecular consequence: 5 prime UTR variant (on NM_001406528.1). On other transcripts: intron variant (11).
Genome position (GRCh38, 1-based): chr13:52,011,472, T>C on the plus strand (A>G on the coding strand, the complement: ATP7B is on the minus strand). VCF-style: chr13-52011472-T-C. GRCh37 (hg19) VCF-style: chr13-52585608-T-C.
Other names: c.-135A>G (NM_001406528.1, NM_001406532.1); c.-54-81A>G (NM_001406541.1, NM_001406531.1, NM_001406527.1 and 7 more transcripts); c.-183-81A>G (NM_001406543.1).
Identifiers: ClinVar variation 4986751 (VCV004986751.1).
Genomic context (GRCh38, chr13:52,011,472, plus strand): 5'-GGGTGTTAAAGTCCCGGGAGAGGAGGCGCAGAGTGTGAGGGCATCGGCGCGGCTCGGCTC[T>C]AAAGCAAACAGGGGTCCGGGAACCGCCCCTTCATTTGGGACCGGGGAAGCCGCAGCCCTC-3'

ClinVar aggregate classification (germline): Likely benign (1 of 4 stars; one submission).

Conditions:
ATP7B-related disorder. Also called: ATP7B-related condition.

Submission:

PreventionGenetics, part of Exact Sciences
Classification: Likely benign for ATP7B-related condition. Last evaluated: 2026-04-22. Review status: criteria provided, single submitter. Criteria: ACMG Guidelines, 2015. Collection method: clinical testing. Allele origin: germline.
Comment: This variant is classified as likely benign based on ACMG/AMP sequence variant interpretation guidelines (Richards et al. 2015 PMID: 25741868, with internal and published modifications).